The following is an entry in ClinVar:

NM_000642.3(AGL):c.3912T>A (p.Asn1304Lys)

Gene: AGL (amylo-alpha-1,6-glucosidase and 4-alpha-glucanotransferase; plus strand). Cytogenetic location: 1p21.2.
Variant type: single nucleotide variant.
Coding change: c.3912T>A on transcript NM_000642.3 (MANE Select); coding-DNA position 3912, T replaced by A.
Protein change: p.Asn1304Lys; replaces asparagine 1304 with lysine.
Molecular consequence: missense variant.
Genome position (GRCh38, 1-based): chr1:99,912,480, T>A. VCF-style: chr1-99912480-T-A. GRCh37 (hg19) VCF-style: chr1-100378036-T-A.
Other names: c.3912T>A (NM_000642.2); c.3912T>A, p.Asn1304Lys (NM_000028.3, NM_000643.3, NM_000644.3 and 1 more transcripts); c.3864T>A, p.Asn1288Lys (NM_000646.3); c.3891T>A, p.Asn1297Lys (NM_001425326.1); c.3711T>A, p.Asn1237Lys (NM_001425327.1); c.3708T>A, p.Asn1236Lys (NM_001425328.1); c.3573T>A, p.Asn1191Lys (NM_001425329.1); c.3534T>A, p.Asn1178Lys (NM_001425332.1); short protein forms N1304K, N1288K, N1237K, N1297K, N1178K, N1191K, N1236K.
Identifiers: ClinVar variation 647898 (VCV000647898.9), dbSNP rs1570508523, ClinGen allele CA341338942.

ClinVar aggregate classification (germline): Uncertain significance. Review status: criteria provided, multiple submitters, no conflicts (2 of 4 stars). 2 submissions from 2 submitters: Uncertain significance (2). Last evaluated 2024-01-03.

Conditions:
Inborn genetic diseases. Identifiers: MedGen C0950123, MeSH D030342.
Glycogen storage disease type III (GSD3). Also called: Cori disease; FORBES DISEASE. Identifiers: Orphanet 366, MedGen C0017922, MONDO:0009291, OMIM 232400.

Submissions (2):

Ambry Genetics
Classification: Uncertain significance for Inborn genetic diseases. Last evaluated: 2024-01-03. Review status: criteria provided, single submitter. Criteria: Ambry Variant Classification Scheme 2023. Collection method: clinical testing. Allele origin: germline.

Labcorp Genetics (formerly Invitae), Labcorp
Classification: Uncertain significance for Glycogen storage disease type III. Last evaluated: 2021-08-30. Review status: criteria provided, single submitter. Criteria: Invitae Variant Classification Sherloc (09022015). Collection method: clinical testing. Allele origin: germline.
Comment: This sequence change replaces asparagine with lysine at codon 1304 of the AGL protein (p.Asn1304Lys). The asparagine residue is weakly conserved and there is a moderate physicochemical difference between asparagine and lysine. This variant is not present in population databases (ExAC no frequency). This variant has not been reported in the literature in individuals affected with AGL-related conditions. Algorithms developed to predict the effect of missense changes on protein structure and function output the following: SIFT: "Tolerated"; PolyPhen-2: "Benign"; Align-GVGD: "Class C0". The lysine amino acid residue is found in multiple mammalian species, which suggests that this missense change does not adversely affect protein function. In summary, the available evidence is currently insufficient to determine the role of this variant in disease. Therefore, it has been classified as a Variant of Uncertain Significance.